The following is an entry in ClinVar:

ClinVar aggregate classification (germline): Uncertain significance (1 of 4 stars; one submission).

Conditions:
Autosomal dominant polycystic kidney disease. Identifiers: Orphanet 730, MedGen C0085413, MONDO:0004691.

gnomAD v4.1: 5 of 1,373,006 alleles (0.00036%); highest among the groups gnomAD compares: Non-Finnish European, 0.00047%; no homozygotes.

Submission:

Labcorp Genetics (formerly Invitae), Labcorp
Classification: Uncertain significance for Autosomal dominant polycystic kidney disease. Last evaluated: 2025-07-20. Review status: criteria provided, single submitter. Criteria: Invitae Variant Classification Sherloc (09022015). Collection method: clinical testing. Allele origin: germline.
Comment: This sequence change replaces glycine, which is neutral and non-polar, with valine, which is neutral and non-polar, at codon 51 of the PKD2 protein (p.Gly51Val). This variant is not present in population databases (gnomAD no frequency). This variant has not been reported in the literature in individuals affected with PKD2-related conditions. ClinVar contains an entry for this variant (Variation ID: 2048253). An algorithm developed to predict the effect of missense changes on protein structure and function (PolyPhen-2) suggests that this variant is likely to be disruptive. In summary, the available evidence is currently insufficient to determine the role of this variant in disease. Therefore, it has been classified as a Variant of Uncertain Significance.

NM_000297.4(PKD2):c.152G>T (p.Gly51Val)

Genes: PKD2 (polycystin 2, transient receptor potential cation channel; plus strand), LOC129992813 (ATAC-STARR-seq lymphoblastoid silent region 15559; plus strand). Cytogenetic location: 4q22.1.
Variant type: single nucleotide variant.
Coding change: c.152G>T on transcript NM_000297.4 (MANE Select); coding-DNA position 152, G replaced by T.
Protein change: p.Gly51Val; replaces glycine 51 with valine.
Molecular consequence: missense variant. On other transcripts: non-coding transcript variant (1).
Genome position (GRCh38, 1-based): chr4:88,007,885, G>T. VCF-style: chr4-88007885-G-T. GRCh37 (hg19) VCF-style: chr4-88929037-G-T.
Other names: short protein forms G51V.
Identifiers: ClinVar variation 2048253 (VCV002048253.4), dbSNP rs1322801646, ClinGen allele CA357625456.